The following is an entry in ClinVar:

ClinVar aggregate classification (germline): Uncertain significance (1 of 4 stars; one submission).

Submission:

Labcorp Genetics (formerly Invitae), Labcorp
Classification: Uncertain significance. Last evaluated: 2022-02-12. Review status: criteria provided, single submitter. Criteria: Invitae Variant Classification Sherloc (09022015). Collection method: clinical testing. Allele origin: germline.
Comment: This sequence change replaces proline, which is neutral and non-polar, with leucine, which is neutral and non-polar, at codon 447 of the CCT2 protein (p.Pro447Leu). This variant is not present in population databases (gnomAD no frequency). This variant has not been reported in the literature in individuals affected with CCT2-related conditions. Algorithms developed to predict the effect of missense changes on protein structure and function (SIFT, PolyPhen-2, Align-GVGD) all suggest that this variant is likely to be disruptive. In summary, the available evidence is currently insufficient to determine the role of this variant in disease. Therefore, it has been classified as a Variant of Uncertain Significance.

NM_006431.3(CCT2):c.1340C>T (p.Pro447Leu)

Gene: CCT2 (chaperonin containing TCP1 subunit 2; plus strand). Cytogenetic location: 12q15.
Variant type: single nucleotide variant.
Coding change: c.1340C>T on transcript NM_006431.3 (MANE Select); coding-DNA position 1340, C replaced by T.
Protein change: p.Pro447Leu; replaces proline 447 with leucine.
Molecular consequence: missense variant.
Genome position (GRCh38, 1-based): chr12:69,598,326, C>T. VCF-style: chr12-69598326-C-T. GRCh37 (hg19) VCF-style: chr12-69992106-C-T.
Other names: c.1199C>T, p.Pro400Leu (NM_001198842.2); short protein forms P400L, P447L.
Identifiers: ClinVar variation 2097147 (VCV002097147.4), dbSNP rs2499012366, ClinGen allele CA385731142.